The following is an entry in ClinVar:

ClinVar aggregate classification (germline): Benign/Likely benign. Review status: criteria provided, multiple submitters, no conflicts (2 of 4 stars). 6 submissions from 6 submitters: Benign (1); Likely benign (3). 2 of the submissions do not count toward it. Last evaluated 2026-01-28.

Conditions:
FUCA1-related disorder. Also called: FUCA1-related condition.
Fucosidosis. Also called: ALPHA-L-FUCOSIDASE DEFICIENCY. Identifiers: Orphanet 349, MedGen C0016788, MONDO:0009254, OMIM 230000.

Allele frequency attached by ClinVar (database versions not stated): ESP Exome Variant Server 0.00684; TOPMed 0.00751; 1000 Genomes Project 0.00879; 1000 Genomes Project 30x 0.00968.
gnomAD v4.1: 2,076 of 1,614,174 alleles (0.13%); highest among the groups gnomAD compares: African/African-American, 2.4%; 27 homozygotes.

Submissions (6):

Labcorp Genetics (formerly Invitae), Labcorp
Classification: Benign for Fucosidosis. Last evaluated: 2026-01-28. Review status: criteria provided, single submitter. Criteria: Invitae Variant Classification Sherloc (09022015). Collection method: clinical testing. Allele origin: germline.

GeneDx
Classification: Likely benign. Last evaluated: 2021-05-04. Review status: criteria provided, single submitter. Criteria: GeneDx Variant Classification Process June 2021. Collection method: clinical testing. Allele origin: germline. Affected: yes.

Illumina Laboratory Services, Illumina
Classification: Likely benign for Fucosidosis. Last evaluated: 2017-04-27. Review status: criteria provided, single submitter. Criteria: ICSL Variant Classification Criteria 13 December 2019. Collection method: clinical testing. Allele origin: germline.
Comment: This variant was observed as part of a predisposition screen in an ostensibly healthy population. A literature search was performed for the gene, cDNA change, and amino acid change (where applicable). Publications were found based on this search. The evidence from the literature, in combination with allele frequency data from public databases where available, was sufficient to determine this variant is unlikely to cause disease. Therefore, this variant is classified as likely benign.

Breakthrough Genomics
Classification: Likely benign. Review status: criteria provided, single submitter. Criteria: ACMG Guidelines, 2015. Collection method: not provided. Allele origin: germline. Inheritance: Autosomal recessive inheritance. Affected: yes.

PreventionGenetics, part of Exact Sciences
Classification: Benign for FUCA1-related condition. Last evaluated: 2019-09-11. Review status: no assertion criteria provided. Collection method: clinical testing. Allele origin: germline. Not counted in ClinVar's aggregate classification.
Comment: This variant is classified as benign based on ACMG/AMP sequence variant interpretation guidelines (Richards et al. 2015 PMID: 25741868, with internal and published modifications).

Mayo Clinic Laboratories, Mayo Clinic
Classification: Benign. Last evaluated: 2017-08-30. Review status: no assertion criteria provided. Collection method: clinical testing. Allele origin: unknown. Not counted in ClinVar's aggregate classification.

Literature cited by the submitters: PubMed 8401503 (cited by Illumina Laboratory Services, Illumina).

NM_000147.5(FUCA1):c.437C>T (p.Pro146Leu)

Genes: FUCA1 (alpha-L-fucosidase 1; minus strand), LOC126805661 (BRD4-independent group 4 enhancer GRCh37_chr1:24191742-24192941; plus strand). Cytogenetic location: 1p36.11.
Variant type: single nucleotide variant.
Coding change: c.437C>T on transcript NM_000147.5 (MANE Select); coding-DNA position 437, C replaced by T.
Protein change: p.Pro146Leu; replaces proline 146 with leucine.
Molecular consequence: missense variant.
Genome position (GRCh38, 1-based): chr1:23,865,578, G>A on the plus strand (C>T on the coding strand, the complement: FUCA1 is on the minus strand). VCF-style: chr1-23865578-G-A. GRCh37 (hg19) VCF-style: chr1-24192068-G-A.
Other names: short protein forms P146L.
Identifiers: ClinVar variation 296889 (VCV000296889.23), dbSNP rs2228424, ClinGen allele CA686541.